The following is an entry in ClinVar:

ClinVar aggregate classification (germline): Conflicting classifications of pathogenicity. Review status: criteria provided, conflicting classifications (1 of 4 stars). 2 submissions from 2 submitters: Uncertain significance (1); Likely benign (1). Last evaluated 2023-06-06.

Conditions:
Fanconi anemia (FA). Also called: Fanconi's anemia. Identifiers: Orphanet 84, MedGen C0015625, MeSH D005199, MONDO:0019391.
Inborn genetic diseases. Identifiers: MedGen C0950123, MeSH D030342.

Allele frequency attached by ClinVar (database versions not stated): gnomAD exomes below 0.00001 and 0.00001; ExAC 0.00001.
gnomAD v4.1: 12 of 1,614,166 alleles (0.00074%); highest among the groups gnomAD compares: African/African-American, 0.0027%; no homozygotes.

Submissions (2):

Ambry Genetics
Classification: Likely benign for Inborn genetic diseases. Last evaluated: 2023-06-06. Review status: criteria provided, single submitter. Criteria: Ambry Variant Classification Scheme 2023. Collection method: clinical testing. Allele origin: germline.

Labcorp Genetics (formerly Invitae), Labcorp
Classification: Uncertain significance for Fanconi anemia. Last evaluated: 2020-04-20. Review status: criteria provided, single submitter. Criteria: Invitae Variant Classification Sherloc (09022015). Collection method: clinical testing. Allele origin: germline.
Comment: In summary, the available evidence is currently insufficient to determine the role of this variant in disease. Therefore, it has been classified as a Variant of Uncertain Significance. Algorithms developed to predict the effect of missense changes on protein structure and function output the following: SIFT: "Tolerated"; PolyPhen-2: "Benign"; Align-GVGD: "Class C0". The lysine amino acid residue is found in multiple mammalian species, suggesting that this missense change does not adversely affect protein function. These predictions have not been confirmed by published functional studies and their clinical significance is uncertain. This variant has not been reported in the literature in individuals with SLX4-related conditions. This variant is present in population databases (rs746178364, ExAC 0.001%). This sequence change replaces glutamic acid with lysine at codon 1005 of the SLX4 protein (p.Glu1005Lys). The glutamic acid residue is moderately conserved and there is a small physicochemical difference between glutamic acid and lysine.

NM_032444.4(SLX4):c.3013G>A (p.Glu1005Lys)

Gene: SLX4 (SLX4 structure-specific endonuclease subunit; minus strand). Cytogenetic location: 16p13.3.
Variant type: single nucleotide variant.
Coding change: c.3013G>A on transcript NM_032444.4 (MANE Select); coding-DNA position 3013, G replaced by A.
Protein change: p.Glu1005Lys; replaces glutamic acid 1005 with lysine.
Molecular consequence: missense variant.
Genome position (GRCh38, 1-based): chr16:3,590,625, C>T on the plus strand (G>A on the coding strand, the complement: SLX4 is on the minus strand). VCF-style: chr16-3590625-C-T. GRCh37 (hg19) VCF-style: chr16-3640626-C-T.
Other names: c.3013G>A (NM_032444.2); short protein forms E1005K.
Identifiers: ClinVar variation 1046115 (VCV001046115.8), dbSNP rs746178364, ClinGen allele CA7866017.